The following is an entry in ClinVar:

NM_015330.6(SPECC1L):c.214G>A (p.Val72Ile)

Genes: SPECC1L (sperm antigen with calponin homology and coiled-coil domains 1 like; plus strand), SPECC1L-ADORA2A (SPECC1L-ADORA2A readthrough (NMD candidate); plus strand). Cytogenetic location: 22q11.23.
Variant type: single nucleotide variant.
Coding change: c.214G>A on transcript NM_015330.6 (MANE Select); coding-DNA position 214, G replaced by A.
Protein change: p.Val72Ile; replaces valine 72 with isoleucine.
Molecular consequence: missense variant. On other transcripts: non-coding transcript variant (1).
Genome position (GRCh38, 1-based): chr22:24,313,373, G>A. VCF-style: chr22-24313373-G-A. GRCh37 (hg19) VCF-style: chr22-24709341-G-A.
Other names: c.214G>A, p.Val72Ile (NM_001145468.4, NM_001254732.3); c.214G>A (NM_015330.2); short protein forms V72I.
Identifiers: ClinVar variation 1048863 (VCV001048863.2), dbSNP rs747253444, ClinGen allele CA10151900.
Genomic context (GRCh38, chr22:24,313,373, plus strand): 5'-ACCAAGAGCAGTGATGACCTTTTAGCTGGAATGGCCGGAGGGGTAACGGTGACTAATGGT[G>A]TTAAAGGAAAGAAAAGCACCTGCCCATCTGCAGCACCTTCAGCATCTGCCCCTGCCATGA-3'
Protein context (NP_056145.5, residues 62-82): MAGGVTVTNG[Val72Ile]KGKKSTCPSA

ClinVar aggregate classification (germline): Uncertain significance. Review status: criteria provided, single submitter (1 of 4 stars). 2 submissions from 2 submitters: Uncertain significance (1). 1 of the submissions does not count toward it. Last evaluated 2025-06-10.

Conditions:
Inborn genetic diseases. Identifiers: MedGen C0950123, MeSH D030342.

Allele frequency attached by ClinVar (database versions not stated): ExAC 0.00002; gnomAD 0.00001; TOPMed 0.00001; gnomAD exomes 0.00001.

Submissions (2):

Ambry Genetics
Classification: Uncertain significance for Inborn genetic diseases. Last evaluated: 2025-06-10. Review status: criteria provided, single submitter. Criteria: Ambry Variant Classification Scheme 2023. Collection method: clinical testing. Allele origin: germline.

Department of Pathology and Laboratory Medicine, Sinai Health System
Classification: Uncertain significance. Review status: no assertion criteria provided. Collection method: clinical testing. Allele origin: unknown. Affected: yes. Study: The Canadian Open Genetics Repository (COGR). Not counted in ClinVar's aggregate classification.
Comment: The SPECC1L p.Val72Ile variant was not identified in the literature nor was it identified in ClinVar, Cosmic or LOVD 3.0. The variant was identified in dbSNP (ID: rs747253444) and in control databases in 4 of 282876 chromosomes at a frequency of 0.000014 (Genome Aggregation Database Feb 27, 2017). The variant was observed in the East Asian population in 4 of 19954 chromosomes (freq: 0.000201), but not in the African, Latino, Ashkenazi Jewish, European (Finnish), European (non-Finnish), Other, and South Asian populations. The p.Val72 residue is not conserved in mammals and four out of five computational analyses (PolyPhen-2, SIFT, AlignGVGD, BLOSUM, MutationTaster) do not suggest a high likelihood of impact to the protein; however, this information is not predictive enough to rule out pathogenicity. The variant occurs outside of the splicing consensus sequence and 3 of 4 in silico or computational prediction software programs (SpliceSiteFinder, MaxEntScan, NNSPLICE, GeneSplicer) do not predict a difference in splicing. In summary, based on the above information the clinical significance of this variant cannot be determined with certainty at this time. This variant is classified as a variant of uncertain significance.